The following is an entry in ClinVar:

ClinVar aggregate classification (germline): Conflicting classifications of pathogenicity. Review status: criteria provided, conflicting classifications (1 of 4 stars). 4 submissions from 4 submitters: Likely pathogenic (1); Uncertain significance (3). Last evaluated 2024-11-18.

Conditions:
Aortic aneurysm, familial thoracic 7 (AAT7). Also called: AORTIC DISSECTION, FAMILIAL, WITH OR WITHOUT AORTIC ANEURYSM. Identifiers: MedGen C3151077, MONDO:0013418, OMIM 613780.
Familial thoracic aortic aneurysm and aortic dissection (TAAD). Also called: Thoracic aortic aneurysms and dissections. Identifiers: Orphanet 91387, MedGen C4707243, MONDO:0019625.

Submissions (4):

Blueprint Genetics
Classification: Uncertain significance. Last evaluated: 2024-11-18. Review status: criteria provided, single submitter. Criteria: ACMG Guidelines, 2015. Collection method: clinical testing. Allele origin: germline.

GeneDx
Classification: Uncertain significance. Last evaluated: 2024-05-24. Review status: criteria provided, single submitter. Criteria: GeneDx Variant Classification Process June 2021. Collection method: clinical testing. Allele origin: germline. Affected: yes.
Comment: Not observed at significant frequency in large population cohorts (gnomAD); In silico analysis supports that this missense variant has a deleterious effect on protein structure/function; This variant is associated with the following publications: (PMID: 34645491)

Ambry Genetics
Classification: Uncertain significance for Familial thoracic aortic aneurysm and aortic dissection. Last evaluated: 2022-06-10. Review status: criteria provided, single submitter. Criteria: Ambry Variant Classification Scheme 2023. Collection method: clinical testing. Allele origin: germline.

Rady Children's Institute for Genomic Medicine, Rady Children's Hospital San Diego
Classification: Likely pathogenic for AORTIC ANEURYSM, FAMILIAL THORACIC 7. Last evaluated: 2018-10-03. Review status: criteria provided, single submitter. Criteria: ACMG Guidelines, 2015. Collection method: clinical testing. Allele origin: germline. Affected: yes. Observed: 1 variant allele.
Comment: This variant has not been previously reported or functionally characterized in the literature to our knowledge. It is absent from the ExAC and gnomAD population databases and thus is presumed to be rare. The c.4763C>T (p.Pro1588Leu) variant affects a highly conserved amino acid and is predicted by multiple in silico tools to have a deleterious effect on protein function. Analysis of the parental samples was negative for the variant, indicating this variant likely occurred as a de novo event. Based on the available evidence, the c.4763C>T (p.Pro1588Leu) variant is classified as likely pathogenic.

NM_053025.4(MYLK):c.4763C>T (p.Pro1588Leu)

Gene: MYLK (myosin light chain kinase; minus strand). Cytogenetic location: 3q21.1.
Variant type: single nucleotide variant.
Coding change: c.4763C>T on transcript NM_053025.4 (MANE Select); coding-DNA position 4763, C replaced by T.
Protein change: p.Pro1588Leu; replaces proline 1588 with leucine.
Molecular consequence: missense variant.
Genome position (GRCh38, 1-based): chr3:123,640,361, G>A on the plus strand (C>T on the coding strand, the complement: MYLK is on the minus strand). VCF-style: chr3-123640361-G-A. GRCh37 (hg19) VCF-style: chr3-123359208-G-A.
Other names: c.4235C>T, p.Pro1412Leu (NM_001321309.2); c.4556C>T, p.Pro1519Leu (NM_053026.4, NM_053028.4); c.4763C>T, p.Pro1588Leu (NM_053027.4); short protein forms P1412L, P1519L, P1588L.
Identifiers: ClinVar variation 692053 (VCV000692053.5), dbSNP rs1576401641, ClinGen allele CA354226006.